The following is an entry in ClinVar:

NM_005515.4(MNX1):c.689A>G (p.Asn230Ser)

Gene: MNX1 (motor neuron and pancreas homeobox 1; minus strand). Cytogenetic location: 7q36.3.
Variant type: single nucleotide variant.
Coding change: c.689A>G on transcript NM_005515.4 (MANE Select); coding-DNA position 689, A replaced by G.
Protein change: p.Asn230Ser; replaces asparagine 230 with serine.
Molecular consequence: missense variant.
Genome position (GRCh38, 1-based): chr7:157,009,662, T>C on the plus strand (A>G on the coding strand, the complement: MNX1 is on the minus strand). VCF-style: chr7-157009662-T-C. GRCh37 (hg19) VCF-style: chr7-156802356-T-C.
Other names: short protein forms N230S.
Identifiers: ClinVar variation 1915194 (VCV001915194.6), dbSNP rs765767987, ClinGen allele CA4589250.
Genomic context (GRCh38, chr7:157,009,662, plus strand): 5'-TGGAGGATGCGCGAGGCCCTCCCGCCACGCGCATCCACGGGGGCCGCAGGGTACTCACAG[T>C]TGAAGTCGGGCATCTTAGGCAGGATCATGCCCGCGGTGGACGCGCGCAGCCACTGGTCCA-3'
Protein context (NP_005506.3, residues 220-240): GMILPKMPDF[Asn230Ser]SQAQSNLLGK

ClinVar aggregate classification (germline): Uncertain significance. Review status: criteria provided, multiple submitters, no conflicts (2 of 4 stars). 2 submissions from 2 submitters: Uncertain significance (2). Last evaluated 2025-10-18.

Conditions:
Currarino triad. Identifiers: Orphanet 1552, MedGen C1531773, MONDO:0008305, OMIM 176450.

Allele frequency attached by ClinVar (database versions not stated): gnomAD exomes 0.00001; TOPMed 0.00001; ExAC 0.00003.
gnomAD v4.1: 11 of 1,609,094 alleles (0.00068%); highest among the groups gnomAD compares: Admixed American, 0.01%; no homozygotes.

Submissions (2):

Labcorp Genetics (formerly Invitae), Labcorp
Classification: Uncertain significance. Last evaluated: 2025-10-18. Review status: criteria provided, single submitter. Criteria: Invitae Variant Classification Sherloc (09022015). Collection method: clinical testing. Allele origin: germline.
Comment: This sequence change replaces asparagine, which is neutral and polar, with serine, which is neutral and polar, at codon 230 of the MNX1 protein (p.Asn230Ser). This variant is present in population databases (rs765767987, gnomAD 0.02%). This variant has not been reported in the literature in individuals affected with MNX1-related conditions. ClinVar contains an entry for this variant (Variation ID: 1915194). An algorithm developed to predict the effect of missense changes on protein structure and function outputs the following: PolyPhen-2: "Benign". The serine amino acid residue is found in multiple mammalian species, which suggests that this missense change does not adversely affect protein function. In summary, the available evidence is currently insufficient to determine the role of this variant in disease. Therefore, it has been classified as a Variant of Uncertain Significance.

Fulgent Genetics
Classification: Uncertain significance for Currarino triad. Last evaluated: 2024-06-12. Review status: criteria provided, single submitter. Criteria: ACMG Guidelines, 2015. Collection method: clinical testing. Allele origin: germline.